The following is an entry in ClinVar:

NM_017755.6(NSUN2):c.538-4A>G

Gene: NSUN2 (NOP2/Sun RNA methyltransferase 2; minus strand). Cytogenetic location: 5p15.31.
Variant type: single nucleotide variant.
Coding change: c.538-4A>G on transcript NM_017755.6 (MANE Select); 4 bases into the intron before coding-DNA position 538, A replaced by G.
Molecular consequence: intron variant.
Genome position (GRCh38, 1-based): chr5:6,622,104, T>C on the plus strand (A>G on the coding strand, the complement: NSUN2 is on the minus strand). VCF-style: chr5-6622104-T-C. GRCh37 (hg19) VCF-style: chr5-6622217-T-C.
Other names: c.433-4A>G (NM_001193455.2).
Identifiers: ClinVar variation 3368382 (VCV003368382.1).

ClinVar aggregate classification (germline): Uncertain significance (1 of 4 stars; one submission).

gnomAD v4.1: 5 of 1,607,814 alleles (0.00031%); highest among the groups gnomAD compares: East Asian, 0.0022%; no homozygotes.

Submission:

GeneDx
Classification: Uncertain significance. Last evaluated: 2024-02-05. Review status: criteria provided, single submitter. Criteria: GeneDx Variant Classification Process June 2021. Collection method: clinical testing. Allele origin: germline. Affected: yes.
Comment: Not observed at significant frequency in large population cohorts (gnomAD); In silico analysis is inconclusive as to whether the variant alters gene splicing. In the absence of RNA/functional studies, the actual effect of this sequence change is unknown.; Has not been previously published as pathogenic or benign to our knowledge